The following is an entry in ClinVar:

ClinVar aggregate classification (germline): Uncertain significance (1 of 4 stars; one submission).

Submission:

GeneDx
Classification: Uncertain significance. Last evaluated: 2026-02-12. Review status: criteria provided, single submitter. Criteria: GeneDx Variant Classification Process June 2021. Collection method: clinical testing. Allele origin: germline.
Comment: Not observed at significant frequency in large population cohorts (gnomAD); In silico analysis supports that this missense variant has a deleterious effect on protein structure/function; Has not been previously published as pathogenic or benign to our knowledge

NM_024426.6(WT1):c.1529T>C (p.Met510Thr)

Gene: WT1 (WT1 transcription factor; minus strand). Cytogenetic location: 11p13.
Variant type: single nucleotide variant.
Coding change: c.1529T>C on transcript NM_024426.6 (MANE Select); coding-DNA position 1529, T replaced by C.
Protein change: p.Met510Thr; replaces methionine 510 with threonine.
Molecular consequence: missense variant. On other transcripts: non-coding transcript variant (2).
Genome position (GRCh38, 1-based): chr11:32,389,098, A>G on the plus strand (T>C on the coding strand, the complement: WT1 is on the minus strand). VCF-style: chr11-32389098-A-G. GRCh37 (hg19) VCF-style: chr11-32410644-A-G.
Other names: c.1469T>C, p.Met490Thr (NM_000378.6); c.869T>C, p.Met290Thr (NM_001198551.2); c.827T>C, p.Met276Thr (NM_001198552.2); c.341T>C, p.Met114Thr (NM_001367854.1); c.1514T>C, p.Met505Thr (NM_001407044.1); c.1478T>C, p.Met493Thr (NM_001407045.1); c.1436T>C, p.Met479Thr (NM_001407046.1); c.1397T>C, p.Met466Thr (NM_001407047.1); and 9 more; short protein forms M114T, M256T, M276T, M290T, M417T, M420T, M434T, M437T.
Identifiers: ClinVar variation 4976534 (VCV004976534.1).